The following is an entry in ClinVar:

NM_001286577.2(C2CD3):c.2531del (p.Arg844fs)

Gene: C2CD3 (C2 domain containing 3 centriole elongation regulator; minus strand). Cytogenetic location: 11q13.4.
Variant type: Deletion.
Coding change: c.2531del on transcript NM_001286577.2 (MANE Select); coding-DNA position 2531, one base deleted (G; older notation c.2531delG).
Protein change: p.Arg844fs; shifts the reading frame from arginine 844.
Molecular consequence: frameshift variant.
Genome position (GRCh38, 1-based): chr11:74,103,180, C deleted on the plus strand (G on the coding strand, the reverse complement: C2CD3 is on the minus strand). VCF-style (leftmost placement, unchanged base first): chr11-74103179-TC-T. GRCh37 (hg19) VCF-style: chr11-73814224-TC-T.
Other names: c.2531del, p.Arg844fs (NM_015531.6); short protein forms R844fs.
Identifiers: ClinVar variation 4711910 (VCV004711910.1).

ClinVar aggregate classification (germline): Pathogenic (1 of 4 stars; one submission).

Submission:

Labcorp Genetics (formerly Invitae), Labcorp
Classification: Pathogenic. Last evaluated: 2025-02-02. Review status: criteria provided, single submitter. Criteria: Invitae Variant Classification Sherloc (09022015). Collection method: clinical testing. Allele origin: germline.
Comment: This sequence change creates a premature translational stop signal (p.Arg844Asnfs*18) in the C2CD3 gene. It is expected to result in an absent or disrupted protein product. Loss-of-function variants in C2CD3 are known to be pathogenic (PMID: 24997988, 26477546). This variant is not present in population databases (gnomAD no frequency). This variant has not been reported in the literature in individuals affected with C2CD3-related conditions. For these reasons, this variant has been classified as Pathogenic.

Literature cited by the submitters: PubMed 24997988; PubMed 26477546.